The following is an entry in ClinVar:

ClinVar aggregate classification (germline): Likely pathogenic (1 of 4 stars; one submission).

Submission:

Mayo Clinic Laboratories, Mayo Clinic
Classification: Likely pathogenic. Last evaluated: 2023-11-08. Review status: criteria provided, single submitter. Criteria: ACMG Guidelines, 2015. Collection method: clinical testing. Allele origin: germline. Observed: 1 variant allele.
Comment: PM2, PVS1_strong

Literature cited by the submitters: PubMed 18070632; PubMed 18948840; PubMed 21490157; PubMed 35753512; PubMed 8929361.

NM_000043.6(FAS):c.706_707del (p.Ile236fs)

Gene: FAS (Fas cell surface death receptor; plus strand). Cytogenetic location: 10q23.31.
Variant type: Deletion.
Coding change: c.706_707del on transcript NM_000043.6 (MANE Select); coding-DNA positions 706 to 707, 2 bases deleted (AT; older notation c.706_707delAT).
Protein change: p.Ile236fs; shifts the reading frame from isoleucine 236.
Molecular consequence: frameshift variant. On other transcripts: 3 prime UTR variant (2), non-coding transcript variant (7).
Genome position (GRCh38, 1-based): chr10:89,014,148-89,014,149, AT deleted; deleting any 2 consecutive bases within chr10:89,014,147-89,014,149 gives the same sequence; the c. name uses the placement nearest the transcript's 3' end. VCF-style (leftmost placement, unchanged base first): chr10-89014146-CTA-C. GRCh37 (hg19) VCF-style: chr10-90773903-CTA-C.
Other names: p.Ile236Cysfs*10; c.*29_*30del (NM_001320619.2); c.751_752del, p.Ile251fs (NM_001410956.1); c.643_644del, p.Ile215fs (NM_152871.4); c.*18_*19del (NM_152872.4); short protein forms I215fs, I236fs, I251fs.
Identifiers: ClinVar variation 3381063 (VCV003381063.1).